The following is an entry in ClinVar:

NM_017950.4(CCDC40):c.757A>G (p.Thr253Ala)

Gene: CCDC40 (coiled-coil domain 40 molecular ruler complex subunit; plus strand). Cytogenetic location: 17q25.3.
Variant type: single nucleotide variant.
Coding change: c.757A>G on transcript NM_017950.4 (MANE Select); coding-DNA position 757, A replaced by G.
Protein change: p.Thr253Ala; replaces threonine 253 with alanine.
Molecular consequence: missense variant.
Genome position (GRCh38, 1-based): chr17:80,048,663, A>G. VCF-style: chr17-80048663-A-G. GRCh37 (hg19) VCF-style: chr17-78022462-A-G.
Other names: c.757A>G, p.Thr253Ala (NM_001243342.2, NM_001330508.2); short protein forms T253A.
Identifiers: ClinVar variation 2990385 (VCV002990385.3), dbSNP rs1181101788, ClinGen allele CA401353970.
Genomic context (GRCh38, chr17:80,048,663, plus strand): 5'-GATGCCCACCCCAGGGAAGGAGACCTGCCAGTGTTCCAGGACCAGATCCAGCAGCCCAGC[A>G]CCGAGGAGGGGGCCATGGCAGAGAGAGTGGAGTCCGAGGGGAGTGACGAGGAAGCAGAAG-3'
Protein context (NP_060420.2, residues 243-263): VFQDQIQQPS[Thr253Ala]EEGAMAERVE

ClinVar aggregate classification (germline): Uncertain significance (1 of 4 stars; one submission).

Conditions:
Primary ciliary dyskinesia. Also called: Ciliary dyskinesia. Identifiers: Orphanet 244, MedGen C0008780, MONDO:0016575, HP:0012265.

Allele frequency attached by ClinVar (database versions not stated): gnomAD exomes below 0.00001; gnomAD 0.00001; TOPMed 0.00001.
gnomAD v4.1: 9 of 1,613,966 alleles (0.00056%); highest among the groups gnomAD compares: African/African-American, 0.004%; no homozygotes.

Submission:

Labcorp Genetics (formerly Invitae), Labcorp
Classification: Uncertain significance for Primary ciliary dyskinesia. Last evaluated: 2023-06-15. Review status: criteria provided, single submitter. Criteria: Invitae Variant Classification Sherloc (09022015). Collection method: clinical testing. Allele origin: germline.
Comment: This sequence change replaces threonine, which is neutral and polar, with alanine, which is neutral and non-polar, at codon 253 of the CCDC40 protein (p.Thr253Ala). In summary, the available evidence is currently insufficient to determine the role of this variant in disease. Therefore, it has been classified as a Variant of Uncertain Significance. An algorithm developed to predict the effect of missense changes on protein structure and function (PolyPhen-2) suggests that this variant is likely to be tolerated. This variant has not been reported in the literature in individuals affected with CCDC40-related conditions. This variant is present in population databases (no rsID available, gnomAD 0.01%).